The following is an entry in ClinVar:

ClinVar aggregate classification (germline): Uncertain significance. Review status: criteria provided, multiple submitters, no conflicts (2 of 4 stars). 2 submissions from 2 submitters: Uncertain significance (2). Last evaluated 2025-08-27.

Conditions:
Usher syndrome type 3B. Also called: USHER SYNDROME, TYPE IIIB. Identifiers: MedGen C3281066, MONDO:0013788, OMIM 614504.

gnomAD v4.1: 1 of 1,614,196 alleles (0.000062%); no homozygotes.

Submissions (2):

Ambry Genetics
Classification: Uncertain significance. Last evaluated: 2025-08-27. Review status: criteria provided, single submitter. Criteria: Ambry Variant Classification Scheme 2023. Collection method: clinical testing. Allele origin: germline.

Labcorp Genetics (formerly Invitae), Labcorp
Classification: Uncertain significance for Usher syndrome type 3B. Last evaluated: 2025-06-14. Review status: criteria provided, single submitter. Criteria: Invitae Variant Classification Sherloc (09022015). Collection method: clinical testing. Allele origin: germline.
Comment: This sequence change replaces tyrosine, which is neutral and polar, with cysteine, which is neutral and slightly polar, at codon 336 of the HARS protein (p.Tyr336Cys). This variant is not present in population databases (gnomAD no frequency). This variant has not been reported in the literature in individuals affected with HARS-related conditions. ClinVar contains an entry for this variant (Variation ID: 1680312). Invitae Evidence Modeling of protein sequence and biophysical properties (such as structural, functional, and spatial information, amino acid conservation, physicochemical variation, residue mobility, and thermodynamic stability) indicates that this missense variant is expected to disrupt HARS protein function with a positive predictive value of 80%. In summary, the available evidence is currently insufficient to determine the role of this variant in disease. Therefore, it has been classified as a Variant of Uncertain Significance.

NM_002109.6(HARS1):c.1007A>G (p.Tyr336Cys)

Gene: HARS1 (histidyl-tRNA synthetase 1; minus strand). Cytogenetic location: 5q31.3.
Variant type: single nucleotide variant.
Coding change: c.1007A>G on transcript NM_002109.6 (MANE Select); coding-DNA position 1007, A replaced by G.
Protein change: p.Tyr336Cys; replaces tyrosine 336 with cysteine.
Molecular consequence: missense variant.
Genome position (GRCh38, 1-based): chr5:140,676,841, T>C on the plus strand (A>G on the coding strand, the complement: HARS1 is on the minus strand). VCF-style: chr5-140676841-T-C. GRCh37 (hg19) VCF-style: chr5-140056426-T-C.
Other names: c.887A>G, p.Tyr296Cys (NM_001258040.3); c.947A>G, p.Tyr316Cys (NM_001258041.3); c.827A>G, p.Tyr276Cys (NM_001258042.3); c.785A>G, p.Tyr262Cys (NM_001289092.2); c.665A>G, p.Tyr222Cys (NM_001289093.2); c.920A>G, p.Tyr307Cys (NM_001289094.2); c.1007A>G (NM_002109.3); short protein forms Y222C, Y262C, Y276C, Y296C, Y307C, Y316C, Y336C.
Identifiers: ClinVar variation 1680312 (VCV001680312.9), dbSNP rs2149823058, ClinGen allele CA361251767.